The following is an entry in ClinVar:

ClinVar aggregate classification (germline): Uncertain significance (1 of 4 stars; one submission).

Conditions:
Spondyloenchondrodysplasia with immune dysregulation (SPENCDI). Also called: ROIFMAN IMMUNOSKELETAL SYNDROME; SPONDYLOENCHONDRODYSPLASIA WITH OR WITHOUT IMMUNE DYSREGULATION; COMBINED IMMUNODEFICIENCY WITH AUTOIMMUNITY AND SPONDYLOMETAPHYSEAL DYSPLASIA. Identifiers: Orphanet 1855, MedGen C1842763, MONDO:0011939, OMIM 607944.

Allele frequency attached by ClinVar (database versions not stated): ExAC 0.00001.

Submission:

Labcorp Genetics (formerly Invitae), Labcorp
Classification: Uncertain significance for Spondyloenchondrodysplasia with immune dysregulation. Last evaluated: 2022-06-17. Review status: criteria provided, single submitter. Criteria: Invitae Variant Classification Sherloc (09022015). Collection method: clinical testing. Allele origin: germline.
Comment: This sequence change replaces arginine, which is basic and polar, with cysteine, which is neutral and slightly polar, at codon 129 of the ACP5 protein (p.Arg129Cys). This variant is present in population databases (rs765343526, gnomAD 0.01%). This variant has not been reported in the literature in individuals affected with ACP5-related conditions. Algorithms developed to predict the effect of missense changes on protein structure and function are either unavailable or do not agree on the potential impact of this missense change (SIFT: "Not Available"; PolyPhen-2: "Probably Damaging"; Align-GVGD: "Not Available"). In summary, the available evidence is currently insufficient to determine the role of this variant in disease. Therefore, it has been classified as a Variant of Uncertain Significance.

NM_001611.5(ACP5):c.385C>T (p.Arg129Cys)

Gene: ACP5 (acid phosphatase 5, tartrate resistant; minus strand). Cytogenetic location: 19p13.2.
Variant type: single nucleotide variant.
Coding change: c.385C>T on transcript NM_001611.5 (MANE Select); coding-DNA position 385, C replaced by T.
Protein change: p.Arg129Cys; replaces arginine 129 with cysteine.
Molecular consequence: missense variant.
Genome position (GRCh38, 1-based): chr19:11,576,720, G>A on the plus strand (C>T on the coding strand, the complement: ACP5 is on the minus strand). VCF-style: chr19-11576720-G-A. GRCh37 (hg19) VCF-style: chr19-11687535-G-A.
Other names: c.385C>T, p.Arg129Cys (NM_001111034.3, NM_001111035.3, NM_001111036.3 and 1 more transcripts); short protein forms R129C.
Identifiers: ClinVar variation 1917834 (VCV001917834.2), dbSNP rs765343526, ClinGen allele CA9215439.
Genomic context (GRCh38, chr19:11,576,720, plus strand): 5'-GCCCCTGTGTCCCTGCTATGTGAGGATCTCGGAAGGCAGGGCTGAGGGTGGCTCACCAGC[G>A]CTTGGAGATCTTAGAGTATGCAATCTGGGCAGAGACATTGCCAAGGTGGTCATGGTTTCC-3'
Protein context (NP_001602.1, residues 119-139): AQIAYSKISK[Arg129Cys]WNFPSPFYRL